The following is an entry in ClinVar:

NM_012073.5(CCT5):c.1199G>T (p.Arg400Leu)

Gene: CCT5 (chaperonin containing TCP1 subunit 5; plus strand). Cytogenetic location: 5p15.2.
Variant type: single nucleotide variant.
Coding change: c.1199G>T on transcript NM_012073.5 (MANE Select); coding-DNA position 1199, G replaced by T.
Protein change: p.Arg400Leu; replaces arginine 400 with leucine.
Molecular consequence: missense variant.
Genome position (GRCh38, 1-based): chr5:10,262,500, G>T. VCF-style: chr5-10262500-G-T. GRCh37 (hg19) VCF-style: chr5-10262612-G-T.
Other names: c.1136G>T, p.Arg379Leu (NM_001306153.1); c.1034G>T, p.Arg345Leu (NM_001306154.2); c.920G>T, p.Arg307Leu (NM_001306155.2); c.1085G>T, p.Arg362Leu (NM_001306156.2); c.1199G>T (NM_012073.3); short protein forms R345L, R379L, R362L, R307L, R400L.
Identifiers: ClinVar variation 1441920 (VCV001441920.8), dbSNP rs749310473, ClinGen allele CA3198296.
Genomic context (GRCh38, chr5:10,262,500, plus strand): 5'-GATCTTGATCACATTAATTCAGGCAAAGCTGTTTTCCTTAGATCATTGAGGAGGCGAAAC[G>T]ATCCCTTCACGATGCTTTGTGTGTCATCCGGAACCTCATCCGCGATAATCGTGTGGTGTA-3'
Protein context (NP_036205.1, residues 390-410): GNKMIIEEAK[Arg400Leu]SLHDALCVIR

ClinVar aggregate classification (germline): Uncertain significance. Review status: criteria provided, multiple submitters, no conflicts (2 of 4 stars). 2 submissions from 2 submitters: Uncertain significance (2). Last evaluated 2025-09-24.

Conditions:
Hereditary sensory and autonomic neuropathy with spastic paraplegia (HSNSP). Identifiers: Orphanet 139578, MedGen C1850395, MONDO:0009748, OMIM 256840.

Allele frequency attached by ClinVar (database versions not stated): TOPMed 0.00001; gnomAD exomes 0.00002; ExAC 0.00003.
gnomAD v4.1: 15 of 1,614,066 alleles (0.00093%); highest among the groups gnomAD compares: South Asian, 0.0066%; no homozygotes.

Submissions (2):

Ambry Genetics
Classification: Uncertain significance. Last evaluated: 2025-09-24. Review status: criteria provided, single submitter. Criteria: Ambry Variant Classification Scheme 2023. Collection method: clinical testing. Allele origin: germline.

Labcorp Genetics (formerly Invitae), Labcorp
Classification: Uncertain significance for Hereditary sensory and autonomic neuropathy with spastic paraplegia. Last evaluated: 2024-09-23. Review status: criteria provided, single submitter. Criteria: Invitae Variant Classification Sherloc (09022015). Collection method: clinical testing. Allele origin: germline.
Comment: This sequence change replaces arginine, which is basic and polar, with leucine, which is neutral and non-polar, at codon 400 of the CCT5 protein (p.Arg400Leu). This variant is present in population databases (rs749310473, gnomAD 0.01%). This variant has not been reported in the literature in individuals affected with CCT5-related conditions. ClinVar contains an entry for this variant (Variation ID: 1441920). Invitae Evidence Modeling of protein sequence and biophysical properties (such as structural, functional, and spatial information, amino acid conservation, physicochemical variation, residue mobility, and thermodynamic stability) indicates that this missense variant is expected to disrupt CCT5 protein function with a positive predictive value of 80%. In summary, the available evidence is currently insufficient to determine the role of this variant in disease. Therefore, it has been classified as a Variant of Uncertain Significance.